The following is an entry in ClinVar:

ClinVar aggregate classification (germline): Pathogenic/Likely pathogenic. Review status: criteria provided, multiple submitters, no conflicts (2 of 4 stars). 6 submissions from 6 submitters: Pathogenic (2); Likely pathogenic (3). 1 of the submissions does not count toward it. Last evaluated 2025-10-01.

Conditions:
Hereditary cancer-predisposing syndrome. Also called: Hereditary neoplastic syndrome; Tumor predisposition; Hereditary Cancer Syndrome; Neoplastic Syndromes, Hereditary. Identifiers: Orphanet 140162, MedGen C0027672, MeSH D009386, MONDO:0015356.
Hereditary nonpolyposis colorectal neoplasms. Identifiers: MedGen C0009405, MeSH D003123.
Lynch syndrome 5 (LYNCH5). Also called: Hereditary non-polyposis colorectal cancer, type 5; Colorectal cancer, hereditary nonpolyposis, type 5. Identifiers: Orphanet 144, MedGen C1833477, MONDO:0013710, OMIM 614350. Disease mechanism: loss of function.

Submissions (6):

CeGaT Center for Human Genetics Tuebingen
Classification: Pathogenic. Last evaluated: 2025-10-01. Review status: criteria provided, single submitter. Criteria: CeGaT Center For Human Genetics Tuebingen Variant Classification Criteria Version 2. Collection method: clinical testing. Allele origin: germline. Affected: yes. Observed: 1 variant allele.
Comment: MSH6: PM3:Strong, PVS1:Strong, PM2

Molecular Pathology, Peter Maccallum Cancer Centre
Classification: Likely pathogenic for Lynch syndrome 5. Last evaluated: 2024-06-14. Review status: criteria provided, single submitter. Criteria: ACMG Guidelines, 2015. Collection method: clinical testing. Allele origin: germline. Inheritance: Autosomal dominant inheritance.

Myriad Genetics, Inc.
Classification: Likely pathogenic for Lynch syndrome 5. Last evaluated: 2023-08-24. Review status: criteria provided, single submitter. Criteria: Myriad Autosomal Dominant, Autosomal Recessive and X-Linked Classification Criteria (2023). Collection method: clinical testing. Allele origin: unknown.
Comment: This variant is considered likely pathogenic. This variant occurs within a consensus splice junction and is predicted to result in abnormal mRNA splicing of either an out-of-frame exon or an in-frame exon necessary for protein stability and/or normal function.

Ambry Genetics
Classification: Pathogenic for Hereditary cancer-predisposing syndrome. Last evaluated: 2022-03-15. Review status: criteria provided, single submitter. Criteria: Ambry Variant Classification Scheme 2023. Collection method: clinical testing. Allele origin: germline.
Comment: The c.3557-1G>C intronic variant results from a G to C substitution one nucleotide upstream from coding exon 7 of the MSH6 gene. This variant has been identified in a proband(s) who met Amsterdam I/II criteria for Lynch syndrome and tumor demonstrated loss of MSH6 expression by immunohistochemistry (Ambry internal data). In silico splice site analysis predicts that this alteration will weaken the native splice acceptor site and will result in the creation or strengthening of a novel splice acceptor site. RNA studies have demonstrated that this alteration results in abnormal splicing in the set of samples tested (Ambry internal data). This variant was not reported in population-based cohorts in the Genome Aggregation Database (gnomAD). This nucleotide position is highly conserved in available vertebrate species. Based on the supporting evidence, this alteration is interpreted as a disease-causing mutation.

Labcorp Genetics (formerly Invitae), Labcorp
Classification: Likely pathogenic for Hereditary nonpolyposis colorectal neoplasms. Last evaluated: 2021-12-02. Review status: criteria provided, single submitter. Criteria: Invitae Variant Classification Sherloc (09022015). Collection method: clinical testing. Allele origin: germline.
Comment: This sequence change affects an acceptor splice site in intron 6 of the MSH6 gene. It is expected to disrupt RNA splicing. Variants that disrupt the donor or acceptor splice site typically lead to a loss of protein function (PMID: 16199547), and loss-of-function variants in MSH6 are known to be pathogenic (PMID: 18269114, 24362816). This variant is not present in population databases (gnomAD no frequency). Disruption of this splice site has been observed in individual(s) with breast cancer, clinical features of constitutional mismatch repair deficiency syndrome (CMMR-D), colorectal cancer, and/or endometrial cancer (PMID: 20682701, 21590452, 30740824, 32427313, 32587781; Invitae). ClinVar contains an entry for this variant (Variation ID: 428332). Algorithms developed to predict the effect of sequence changes on RNA splicing suggest that this variant may disrupt the consensus splice site. In summary, the currently available evidence indicates that the variant is pathogenic, but additional data are needed to prove that conclusively. Therefore, this variant has been classified as Likely Pathogenic.

Department of Pathology and Laboratory Medicine, Sinai Health System
Classification: Pathogenic. Review status: no assertion criteria provided. Collection method: clinical testing. Allele origin: unknown. Affected: yes. Observed: 1 variant allele. Study: The Canadian Open Genetics Repository (COGR). Not counted in ClinVar's aggregate classification.
Comment: The MSH6 c.3557-1G>C variant was not identified in the literature nor was it identified in the dbSNP or UMD-LSDB databases. The variant was only identified in ClinVar (classified as likely pathogenic by Ambry Genetics). The variant was not identified in the following control databases: the Exome Aggregation Consortium (August 8th 2016) or the Genome Aggregation Database (Feb 27, 2017). The c.3557-1G>C variant is predicted to cause abnormal splicing because the nucleotide substitution occurs in the invariant region of the splice consensus sequence. In addition, 4 of 4 in silico or computational prediction software programs (SpliceSiteFinder, MaxEntScan, NNSPLICE, GeneSplicer) predict a greater than 10% difference in splicing. In summary, based on the above information this variant meets our laboratoryâ€šÃ„Ã´s criteria to be classified as pathogenic.

Literature cited by the submitters: PubMed 30740824 (cited by Ambry Genetics and Labcorp Genetics (formerly Invitae), Labcorp); PubMed 16199547 (cited by Labcorp Genetics (formerly Invitae), Labcorp); PubMed 18269114 (cited by Labcorp Genetics (formerly Invitae), Labcorp); PubMed 24362816 (cited by Labcorp Genetics (formerly Invitae), Labcorp); PubMed 20682701 (cited by Labcorp Genetics (formerly Invitae), Labcorp); PubMed 21590452 (cited by Labcorp Genetics (formerly Invitae), Labcorp); PubMed 32427313 (cited by Labcorp Genetics (formerly Invitae), Labcorp); PubMed 32587781 (cited by Labcorp Genetics (formerly Invitae), Labcorp).

NM_000179.3(MSH6):c.3557-1G>C

Gene: MSH6 (mutS homolog 6; plus strand). Cytogenetic location: 2p16.3.
Variant type: single nucleotide variant.
Coding change: c.3557-1G>C on transcript NM_000179.3 (MANE Select); the canonical splice acceptor site of the intron before coding-DNA position 3557, G replaced by C.
Molecular consequence: splice acceptor variant.
Genome position (GRCh38, 1-based): chr2:47,805,617, G>C. VCF-style: chr2-47805617-G-C. GRCh37 (hg19) VCF-style: chr2-48032756-G-C.
Other names: c.3557-1G>C (NM_001406809.1, NM_001406796.1, NM_001406808.1 and 1 more transcripts); c.2651-1G>C (NM_001406811.1, NM_001406814.1, NM_001281493.2 and 6 more transcripts); c.3260-1G>C (NM_001406805.1, NM_001406797.1, NM_001406801.1 and 10 more transcripts); c.3653-1G>C (NM_001406795.1, NM_001406802.1); c.3563-1G>C (NM_001406813.1); c.3032-1G>C (NM_001406807.1, NM_001406799.1, NM_001406806.1); c.3383-1G>C (NM_001406798.1); c.2693-1G>C (NM_001406803.1); and 7 more.
Identifiers: ClinVar variation 428332 (VCV000428332.20), dbSNP rs1114167723, ClinGen allele CA346760398.